The following is an entry in ClinVar:

NM_001190274.2(FBXO11):c.412A>G (p.Arg138Gly)

Gene: FBXO11 (F-box protein 11; minus strand). Cytogenetic location: 2p16.3.
Variant type: single nucleotide variant.
Coding change: c.412A>G on transcript NM_001190274.2 (MANE Select); coding-DNA position 412, A replaced by G.
Protein change: p.Arg138Gly; replaces arginine 138 with glycine.
Molecular consequence: missense variant.
Genome position (GRCh38, 1-based): chr2:47,839,449, T>C on the plus strand (A>G on the coding strand, the complement: FBXO11 is on the minus strand). VCF-style: chr2-47839449-T-C. GRCh37 (hg19) VCF-style: chr2-48066588-T-C.
Other names: c.160A>G, p.Arg54Gly (NM_001374325.1, NM_025133.4); short protein forms R138G, R54G.
Identifiers: ClinVar variation 1329867 (VCV001329867.4), dbSNP rs2104860646, ClinGen allele CA346813379.
Genomic context (GRCh38, chr2:47,839,449, plus strand): 5'-CCCTATTTGTTACTTTCCCACAGGAAATACCTGATAGATCTTGTGATTTTCCAGACACTC[T>C]TGCACGTTTTGCACGATGACCAAAGTTTTCTGTAGTTGAAGTTGAGGCGCCCTTCAAAAA-3'
Protein context (NP_001177203.1, residues 128-148): ENFGHRAKRA[Arg138Gly]VSGKSQDLSA

ClinVar aggregate classification (germline): Likely pathogenic. Review status: criteria provided, multiple submitters, no conflicts (2 of 4 stars). 4 submissions from 4 submitters: Likely pathogenic (4). Last evaluated 2025-07-16.

Conditions:
Intellectual developmental disorder with dysmorphic facies and behavioral abnormalities. Identifiers: MedGen C4748135, MONDO:0060760, OMIM 618089.
FBXO11-related disorders.

Submissions (4):

3billion
Classification: Likely pathogenic for Intellectual developmental disorder with dysmorphic facies and behavioral abnormalities. Last evaluated: 2025-07-16. Review status: criteria provided, single submitter. Criteria: ACMG Guidelines, 2015. Collection method: clinical testing. Allele origin: germline. Affected: yes.
Comment: The variant is not observed in the gnomAD v4.1.0 dataset. Predicted Consequence/Location: Missense variant Damaging effect on gene or gene product predicted by in silico programs is uncertain [3Cnet: 0.50 (damaging >0.75, benign <0.1)]. The same nucleotide change resulting in the same amino acid change has been previously reported to be associated with FBXO11-related disorder (ClinVar ID: VCV001329867 /PMID: 34505148). The variant has been previously reported as de novo in a similarly affected individual (PMID: 34505148). A different missense change at the same codon (p.Arg138Ser) has been reported to be associated with FBXO11-related disorder (ClinVar ID: VCV000559601). Therefore, this variant is classified as Likely pathogenic according to the recommendation of ACMG/AMP guideline.

Laboratoire de Génétique Moléculaire, CHU Bordeaux
Classification: Likely pathogenic for Intellectual developmental disorder with dysmorphic facies and behavioral abnormalities. Last evaluated: 2022-11-24. Review status: criteria provided, single submitter. Criteria: ACMG Guidelines, 2015. Collection method: clinical testing. Allele origin: germline. Affected: yes.

Institute of Human Genetics, University of Leipzig Medical Center
Classification: Likely pathogenic for Intellectual developmental disorder with dysmorphic facies and behavioral abnormalities. Last evaluated: 2021-12-21. Review status: criteria provided, single submitter. Criteria: ACMG Guidelines, 2015. Collection method: research. Allele origin: de novo. Affected: yes.

Blueprint Genetics
Classification: Likely pathogenic for FBXO11-related disorders. Last evaluated: 2020-12-10. Review status: criteria provided, single submitter. Criteria: ACMG Guidelines, 2015. Collection method: clinical testing. Allele origin: de novo. Affected: yes. Observed: 2 variant alleles.

Literature cited by the submitters: PubMed 34505148 (cited by 3billion and Institute of Human Genetics, University of Leipzig Medical Center).